The following is an entry in ClinVar:

ClinVar aggregate classification (germline): Likely benign. Review status: criteria provided, multiple submitters, no conflicts (2 of 4 stars). 3 submissions from 3 submitters: Likely benign (2). 1 of the submissions does not count toward it. Last evaluated 2025-11-27.

Conditions:
DCHS1-related disorder. Also called: DCHS1-related condition.

Allele frequency attached by ClinVar (database versions not stated): gnomAD 0.00001 and 0.00003; gnomAD exomes 0.00004; TOPMed 0.00004.
gnomAD v4.1: 62 of 1,612,738 alleles (0.0038%); highest among the groups gnomAD compares: Middle Eastern, 0.017%; no homozygotes.

Submissions (3):

Labcorp Genetics (formerly Invitae), Labcorp
Classification: Likely benign. Last evaluated: 2025-11-27. Review status: criteria provided, single submitter. Criteria: Invitae Variant Classification Sherloc (09022015). Collection method: clinical testing. Allele origin: germline.

CeGaT Center for Human Genetics Tuebingen
Classification: Likely benign. Last evaluated: 2024-06-01. Review status: criteria provided, single submitter. Criteria: CeGaT Center For Human Genetics Tuebingen Variant Classification Criteria Version 2. Collection method: clinical testing. Allele origin: germline. Affected: yes. Observed: 2 variant alleles.
Comment: DCHS1: BP4, BP7

PreventionGenetics, part of Exact Sciences
Classification: Likely benign for DCHS1-related condition. Last evaluated: 2020-11-10. Review status: no assertion criteria provided. Collection method: clinical testing. Allele origin: germline. Not counted in ClinVar's aggregate classification.
Comment: This variant is classified as likely benign based on ACMG/AMP sequence variant interpretation guidelines (Richards et al. 2015 PMID: 25741868, with internal and published modifications).

NM_003737.4(DCHS1):c.9648G>A (p.Val3216=)

Gene: DCHS1 (dachsous cadherin-related 1; minus strand). Cytogenetic location: 11p15.4.
Variant type: single nucleotide variant.
Coding change: c.9648G>A on transcript NM_003737.4 (MANE Select); coding-DNA position 9648, G replaced by A.
Protein change: p.Val3216=; no amino-acid change (valine 3216 retained).
Molecular consequence: synonymous variant.
Genome position (GRCh38, 1-based): chr11:6,622,028, C>T on the plus strand (G>A on the coding strand, the complement: DCHS1 is on the minus strand). VCF-style: chr11-6622028-C-T. GRCh37 (hg19) VCF-style: chr11-6643259-C-T.
Other names: c.9648G>A (NM_003737.3).
Identifiers: ClinVar variation 872298 (VCV000872298.46), dbSNP rs752482712, ClinGen allele CA5859208.